The following is an entry in ClinVar:

ClinVar aggregate classification (germline): Uncertain significance (1 of 4 stars; one submission).

Conditions:
Epilepsy, X-linked 2, with or without impaired intellectual development and dysmorphic features (EPILX2). Identifiers: MedGen C5774178, MONDO:0859564, OMIM 301091.

Submission:

Institute of Human Genetics, University of Leipzig Medical Center
Classification: Uncertain significance for Epilepsy, X-linked 2, with or without impaired intellectual development and dysmorphic features. Last evaluated: 2025-05-02. Review status: criteria provided, single submitter. Criteria: ACMG Guidelines, 2015. Collection method: clinical testing. Allele origin: unknown. Inheritance: X-linked dominant inheritance. Affected: yes.
Comment: Criteria applied: PM2,PP2,PP3

NM_000808.4(GABRA3):c.590A>T (p.Asp197Val)

Gene: GABRA3 (gamma-aminobutyric acid type A receptor subunit alpha3; minus strand). Cytogenetic location: Xq28.
Variant type: single nucleotide variant.
Coding change: c.590A>T on transcript NM_000808.4 (MANE Select); coding-DNA position 590, A replaced by T.
Protein change: p.Asp197Val; replaces aspartic acid 197 with valine.
Molecular consequence: missense variant.
Genome position (GRCh38, 1-based): chrX:152,224,807, T>A on the plus strand (A>T on the coding strand, the complement: GABRA3 is on the minus strand). VCF-style: chrX-152224807-T-A. GRCh37 (hg19) VCF-style: chrX-151393279-T-A.
Other names: short protein forms D197V.
Identifiers: ClinVar variation 3901156 (VCV003901156.1).